The following is an entry in ClinVar:

ClinVar aggregate classification (germline): Uncertain significance (1 of 4 stars; one submission).

Conditions:
BFSP1-related disorder. Also called: BFSP1-related condition.

Submission:

PreventionGenetics, part of Exact Sciences
Classification: Uncertain significance for BFSP1-related condition. Last evaluated: 2026-06-25. Review status: criteria provided, single submitter. Criteria: ACMG Guidelines, 2015. Collection method: clinical testing. Allele origin: germline.
Comment: The BFSP1 c.319G>T variant is predicted to result in the amino acid substitution p.Ala107Ser. To our knowledge, this variant has not been reported in the literature or in a large population database (gnomAD), indicating it is rare. At this time, the clinical significance of this variant is uncertain due to the absence of conclusive functional and genetic evidence.

NM_001195.5(BFSP1):c.319G>T (p.Ala107Ser)

Gene: BFSP1 (beaded filament structural protein 1; minus strand). Cytogenetic location: 20p12.1.
Variant type: single nucleotide variant.
Coding change: c.319G>T on transcript NM_001195.5 (MANE Select); coding-DNA position 319, G replaced by T.
Protein change: p.Ala107Ser; replaces alanine 107 with serine.
Molecular consequence: missense variant. On other transcripts: intron variant (4).
Genome position (GRCh38, 1-based): chr20:17,531,011, C>A on the plus strand (G>T on the coding strand, the complement: BFSP1 is on the minus strand). VCF-style: chr20-17531011-C-A. GRCh37 (hg19) VCF-style: chr20-17511656-C-A.
Other names: c.319G>T, p.Ala107Ser (NM_001424338.1); c.-40-6103G>T (NM_001278608.2, NM_001278606.2); c.45-6103G>T (NM_001278607.2); c.3-6103G>T (NM_001161705.2); short protein forms A107S.
Identifiers: ClinVar variation 4996182 (VCV004996182.1).